The following is an entry in ClinVar:

NM_005751.5(AKAP9):c.3950T>C (p.Ile1317Thr)

Gene: AKAP9 (A-kinase anchoring protein 9; plus strand). Cytogenetic location: 7q21.2.
Variant type: single nucleotide variant.
Coding change: c.3950T>C on transcript NM_005751.5 (MANE Select); coding-DNA position 3950, T replaced by C.
Protein change: p.Ile1317Thr; replaces isoleucine 1317 with threonine.
Molecular consequence: missense variant.
Genome position (GRCh38, 1-based): chr7:92,022,350, T>C. VCF-style: chr7-92022350-T-C. GRCh37 (hg19) VCF-style: chr7-91651664-T-C.
Other names: c.3950T>C, p.Ile1317Thr (NM_147185.3); short protein forms I1317T.
Identifiers: ClinVar variation 191385 (VCV000191385.6), dbSNP rs199773513, ClinGen allele CA236479.

ClinVar aggregate classification (germline): Uncertain significance. Review status: criteria provided, multiple submitters, no conflicts (2 of 4 stars). 2 submissions from 2 submitters: Uncertain significance (2). Last evaluated 2024-05-10.

Conditions:
Long QT syndrome (LQTS). Identifiers: MedGen C0023976, MeSH D008133, MONDO:0002442. Disease mechanism: loss of function. Inheritance: Various modes of inheritance.

Allele frequency attached by ClinVar (database versions not stated): TOPMed below 0.00001; gnomAD exomes 0.00001 and 0.00002; ExAC 0.00002.
gnomAD v4.1: 22 of 1,588,660 alleles (0.0014%); highest among the groups gnomAD compares: Non-Finnish European, 0.0018%; no homozygotes.

Submissions (2):

Labcorp Genetics (formerly Invitae), Labcorp
Classification: Uncertain significance for Long QT syndrome. Last evaluated: 2024-05-10. Review status: criteria provided, single submitter. Criteria: Invitae Variant Classification Sherloc (09022015). Collection method: clinical testing. Allele origin: germline.
Comment: This sequence change replaces isoleucine, which is neutral and non-polar, with threonine, which is neutral and polar, at codon 1317 of the AKAP9 protein (p.Ile1317Thr). This variant is present in population databases (rs199773513, gnomAD 0.003%). This variant has not been reported in the literature in individuals affected with AKAP9-related conditions. ClinVar contains an entry for this variant (Variation ID: 191385). Algorithms developed to predict the effect of missense changes on protein structure and function output the following: SIFT: "Not Available"; PolyPhen-2: "Benign"; Align-GVGD: "Not Available". The threonine amino acid residue is found in multiple mammalian species, which suggests that this missense change does not adversely affect protein function. In summary, the available evidence is currently insufficient to determine the role of this variant in disease. Therefore, it has been classified as a Variant of Uncertain Significance.

Biesecker Lab/Clinical Genomics Section, National Institutes of Health
Classification: Uncertain significance. Last evaluated: 2013-06-24. Review status: criteria provided, single submitter. Criteria: Ng et al. (Circ Cardiovasc Genet. 2013). Collection method: research. Allele origin: unknown. Observed: 1 variant allele. Study: ClinSeq.
Comment: The study set was not selected for affection status in relation to any cancer. Pathogenicity categories were based on literature curation. See Pubmed ID:23861362 for details.

Medical sequencing